The following is an entry in ClinVar:

ClinVar aggregate classification (germline): Uncertain significance. Review status: criteria provided, multiple submitters, no conflicts (2 of 4 stars). 3 submissions from 3 submitters: Uncertain significance (3). Last evaluated 2024-11-03.

Conditions:
Gastrointestinal stromal tumor. Also called: Gastrointestinal stromal tumor, somatic; Gastrointestinal stroma tumor. Identifiers: Orphanet 44890, MedGen C0238198, MeSH D046152, MONDO:0011719, OMIM 606764, HP:0100723.
Polyps, multiple and recurrent inflammatory fibroid, gastrointestinal. Identifiers: MedGen C5193005, MONDO:0008285, OMIM 175510.
Hereditary cancer-predisposing syndrome. Also called: Hereditary neoplastic syndrome; Neoplastic Syndromes, Hereditary; Hereditary Cancer Syndrome; Tumor predisposition. Identifiers: Orphanet 140162, MedGen C0027672, MeSH D009386, MONDO:0015356.

Submissions (3):

Labcorp Genetics (formerly Invitae), Labcorp
Classification: Uncertain significance for Gastrointestinal stromal tumor. Last evaluated: 2024-11-03. Review status: criteria provided, single submitter. Criteria: Invitae Variant Classification Sherloc (09022015). Collection method: clinical testing. Allele origin: germline.
Comment: This sequence change replaces leucine, which is neutral and non-polar, with histidine, which is basic and polar, at codon 781 of the PDGFRA protein (p.Leu781His). This variant is not present in population databases (gnomAD no frequency). This variant has not been reported in the literature in individuals affected with PDGFRA-related conditions. ClinVar contains an entry for this variant (Variation ID: 949480). Invitae Evidence Modeling of protein sequence and biophysical properties (such as structural, functional, and spatial information, amino acid conservation, physicochemical variation, residue mobility, and thermodynamic stability) indicates that this missense variant is not expected to disrupt PDGFRA protein function with a negative predictive value of 80%. In summary, the available evidence is currently insufficient to determine the role of this variant in disease. Therefore, it has been classified as a Variant of Uncertain Significance.

Ambry Genetics
Classification: Uncertain significance for Hereditary cancer-predisposing syndrome. Last evaluated: 2024-04-12. Review status: criteria provided, single submitter. Criteria: Ambry Variant Classification Scheme 2023. Collection method: clinical testing. Allele origin: germline.
Comment: The p.L781H variant (also known as c.2342T>A), located in coding exon 16 of the PDGFRA gene, results from a T to A substitution at nucleotide position 2342. The leucine at codon 781 is replaced by histidine, an amino acid with similar properties. This amino acid position is highly conserved in available vertebrate species. In addition, the in silico prediction for this alteration is inconclusive. Since supporting evidence is limited at this time, the clinical significance of this alteration remains unclear.

Baylor Genetics
Classification: Uncertain significance for Polyps, multiple and recurrent inflammatory fibroid, gastrointestinal. Last evaluated: 2023-05-26. Review status: criteria provided, single submitter. Criteria: ACMG Guidelines, 2015. Collection method: clinical testing. Allele origin: unknown.

NM_006206.6(PDGFRA):c.2342T>A (p.Leu781His)

Gene: PDGFRA (platelet derived growth factor receptor alpha; plus strand). Cytogenetic location: 4q12.
Variant type: single nucleotide variant.
Coding change: c.2342T>A on transcript NM_006206.6 (MANE Select); coding-DNA position 2342, T replaced by A.
Protein change: p.Leu781His; replaces leucine 781 with histidine.
Molecular consequence: missense variant.
Genome position (GRCh38, 1-based): chr4:54,285,389, T>A. VCF-style: chr4-54285389-T-A. GRCh37 (hg19) VCF-style: chr4-55151556-T-A.
Other names: c.2417T>A, p.Leu806His (NM_001347828.2); c.2342T>A, p.Leu781His (NM_001347829.2); c.2381T>A, p.Leu794His (NM_001347830.2); short protein forms L794H, L781H, L806H.
Identifiers: ClinVar variation 949480 (VCV000949480.14), dbSNP rs1724299939, ClinGen allele CA356894617.
Genomic context (GRCh38, chr4:54,285,389, plus strand): 5'-TGCTGCCTGCCAGCACCAATACATTTAATTTCTTTTCTGCAGACTCAGAAGTCAAAAACC[T>A]CCTTTCAGATGATAACTCAGAAGGCCTTACTTTATTGGATTTGTTGAGCTTCACCTATCA-3'
Protein context (NP_006197.1, residues 771-791): KSMLDSEVKN[Leu781His]LSDDNSEGLT